The following is an entry in ClinVar:

ClinVar aggregate classification (germline): Uncertain significance (1 of 4 stars; one submission).

Conditions:
Rhabdoid tumor predisposition syndrome 2 (RTPS2). Identifiers: Orphanet 231108, Orphanet 69077, MedGen C2750074, MONDO:0013224, OMIM 613325.

Submission:

Labcorp Genetics (formerly Invitae), Labcorp
Classification: Uncertain significance for Rhabdoid tumor predisposition syndrome 2. Last evaluated: 2016-03-26. Review status: criteria provided, single submitter. Criteria: Invitae Variant Classification Sherloc (09022015). Collection method: clinical testing. Allele origin: germline.
Comment: Algorithms developed to predict the effect of missense changes on protein structure and function do not agree on the potential impact of this missense change (SIFT: "Deleterious"; PolyPhen-2: "Possibly Damaging"; Align-GVGD: "Class C0"). This variant is not present in population databases (ExAC no frequency) and has not been reported in the literature in individuals with a SMARCA4-related disease. In summary, this variant is a novel missense change with uncertain impact on protein function. It has been classified as a Variant of Uncertain Significance. This sequence change replaces valine with phenylalanine at codon 845 of the SMARCA4 protein (p.Val845Phe). The valine residue is highly conserved and there is a small physicochemical difference between valine and phenylalanine.

NM_003072.5(SMARCA4):c.2533G>T (p.Val845Phe)

Gene: SMARCA4 (SWI/SNF related BAF chromatin remodeling complex subunit ATPase 4; plus strand). Cytogenetic location: 19p13.2.
Variant type: single nucleotide variant.
Coding change: c.2533G>T on transcript NM_003072.5 (MANE Select); coding-DNA position 2533, G replaced by T.
Protein change: p.Val845Phe; replaces valine 845 with phenylalanine.
Molecular consequence: missense variant. On other transcripts: non-coding transcript variant (1).
Genome position (GRCh38, 1-based): chr19:11,019,618, G>T. VCF-style: chr19-11019618-G-T. GRCh37 (hg19) VCF-style: chr19-11130294-G-T.
Other names: c.2533G>T, p.Val845Phe (NM_001128844.3, NM_001128845.2, NM_001128846.2 and 5 more transcripts); short protein forms V845F.
Identifiers: ClinVar variation 238406 (VCV000238406.8), dbSNP rs878854210, ClinGen allele CA10583740.
Genomic context (GRCh38, chr19:11,019,618, plus strand): 5'-AAAGCCGAGCTGTGCATCCTGCTTCCCTTGCAGGGATCCCCAGCAGCAAGACGGGCCTTT[G>T]TCCCCCAGCTCCGGAGTGGGAAGTTCAACGTCTTGCTGACGACGTACGAGTACATCATCA-3'
Protein context (NP_003063.2, residues 835-855): KGSPAARRAF[Val845Phe]PQLRSGKFNV